The following is an entry in ClinVar:

ClinVar aggregate classification (germline): Uncertain significance (1 of 4 stars; one submission).

Allele frequency attached by ClinVar (database versions not stated): ExAC 0.00011.

Submission:

Ambry Genetics
Classification: Uncertain significance. Last evaluated: 2025-06-06. Review status: criteria provided, single submitter. Criteria: Ambry Variant Classification Scheme 2023. Collection method: clinical testing. Allele origin: germline.
Comment: The c.83C>A (p.S28Y) alteration is located in exon (coding exon ) of the SAMD1 gene. This alteration results from a C to A substitution at nucleotide position 83, causing the serine (S) at amino acid position 28 to be replaced by a tyrosine (Y). Based on insufficient or conflicting evidence, the clinical significance of this alteration remains unclear.

NM_138352.3(SAMD1):c.83C>A (p.Ser28Tyr)

Genes: SAMD1 (sterile alpha motif domain containing 1; minus strand), LOC130063760 (ATAC-STARR-seq lymphoblastoid silent region 10229; plus strand). Cytogenetic location: 19p13.12.
Variant type: single nucleotide variant.
Coding change: c.83C>A on transcript NM_138352.3 (MANE Select); coding-DNA position 83, C replaced by A.
Protein change: p.Ser28Tyr; replaces serine 28 with tyrosine.
Molecular consequence: missense variant.
Genome position (GRCh38, 1-based): chr19:14,090,338, G>T on the plus strand (C>A on the coding strand, the complement: SAMD1 is on the minus strand). VCF-style: chr19-14090338-G-T. GRCh37 (hg19) VCF-style: chr19-14201150-G-T.
Other names: short protein forms S28Y.
Identifiers: ClinVar variation 2517770 (VCV002517770.3), dbSNP rs749990908, ClinGen allele CA9249090.